The following is an entry in ClinVar:

ClinVar aggregate classification (germline): not provided (0 of 4 stars; one submission).

Conditions:
Carcinoma of colon (CRC). Also called: Colonic carcinoma; Colon carcinoma. Identifiers: MedGen C0699790, MONDO:0002032.

Submission:

Immunobiology Lab; University of Kashmir
No classification provided. Condition: Carcinoma of colon. Review status: no classification provided. Collection method: not provided. Allele origin: somatic.
Comment: The variation(s) were confirmed by double pass sequencing of PCR products amplified from genomic DNA of colonic lesions fron colorectal patients

NM_002019.4(FLT1):c.3329G>C (p.Cys1110Ser)

Gene: FLT1 (fms related receptor tyrosine kinase 1; minus strand). Cytogenetic location: 13q12.3.
Variant type: single nucleotide variant.
Coding change: c.3329G>C on transcript NM_002019.4 (MANE Select); coding-DNA position 3329, G replaced by C.
Protein change: p.Cys1110Ser; replaces cysteine 1110 with serine.
Molecular consequence: missense variant.
Genome position (GRCh38, 1-based): chr13:28,317,555, C>G on the plus strand (G>C on the coding strand, the complement: FLT1 is on the minus strand). VCF-style: chr13-28317555-C-G. GRCh37 (hg19) VCF-style: chr13-28891692-C-G.
Other names: short protein forms C1110S.
Identifiers: ClinVar variation 183436 (VCV000183436.1), dbSNP rs730882263, ClinGen allele CA251217.
Genomic context (GRCh38, chr13:28,317,555, plus strand): 5'-CACATTTCAGGAGTAGAGTACTCAGGAGCTCTCATCCTCATGCCTTCCCTCAGGCGACTG[C>G]AAAAGTCCTCATCCATTTGTACTCCTGGGTATGGAGACCCACCTGCGGGAGACAATGTGG-3'
Protein context (NP_002010.2, residues 1100-1120): YPGVQMDEDF[Cys1110Ser]SRLREGMRMR